The following is an entry in ClinVar:

ClinVar aggregate classification (germline): Likely benign (1 of 4 stars; one submission).

Allele frequency attached by ClinVar (database versions not stated): gnomAD 0.00001.
gnomAD v4.1: 1 of 1,613,918 alleles (0.000062%); highest among the groups gnomAD compares: Admixed American, 0.0017%; no homozygotes.

Submission:

GeneDx
Classification: Likely benign. Last evaluated: 2018-04-17. Review status: criteria provided, single submitter. Criteria: GeneDx Variant Classification (06012015). Collection method: clinical testing. Allele origin: germline. Affected: yes.
Comment: This variant is considered likely benign or benign based on one or more of the following criteria: it is a conservative change, it occurs at a poorly conserved position in the protein, it is predicted to be benign by multiple in silico algorithms, and/or has population frequency not consistent with disease.

NM_016239.4(MYO15A):c.3693-11T>A

Gene: MYO15A (myosin XVA; plus strand). Cytogenetic location: 17p11.2.
Variant type: single nucleotide variant.
Coding change: c.3693-11T>A on transcript NM_016239.4 (MANE Select); 11 bases into the intron before coding-DNA position 3693, T replaced by A.
Molecular consequence: intron variant.
Genome position (GRCh38, 1-based): chr17:18,125,157, T>A. VCF-style: chr17-18125157-T-A. GRCh37 (hg19) VCF-style: chr17-18028471-T-A.
Identifiers: ClinVar variation 681905 (VCV000681905.1), dbSNP rs1597765036, ClinGen allele CA915949627.